The following is an entry in ClinVar:

NM_004656.4(BAP1):c.2080C>T (p.Gln694Ter)

Gene: BAP1 (BRCA1 associated deubiquitinase 1; minus strand). Cytogenetic location: 3p21.1.
Variant type: single nucleotide variant.
Coding change: c.2080C>T on transcript NM_004656.4 (MANE Select); coding-DNA position 2080, C replaced by T.
Protein change: p.Gln694Ter; replaces glutamine 694 with a stop codon.
Molecular consequence: nonsense.
Genome position (GRCh38, 1-based): chr3:52,402,398, G>A on the plus strand (C>T on the coding strand, the complement: BAP1 is on the minus strand). VCF-style: chr3-52402398-G-A. GRCh37 (hg19) VCF-style: chr3-52436414-G-A.
Other names: c.2026C>T, p.Gln676Ter (NM_001410772.1); short protein forms Q676*, Q694*.
Identifiers: ClinVar variation 2502748 (VCV002502748.4), dbSNP rs2471319048, ClinGen allele CA353094469.
Genomic context (GRCh38, chr3:52,402,398, plus strand): 5'-TCCGCTGCTTGTGGAGCCGGCCGATGCTGACCCCTTGGCGCCGCCGCACGGAGATGTTCT[G>A]CTCCACTAGGTTGGCCAGCATGCCTGCGAAGAGGTAGAGACCCTTGAGCAGGTGCTGGCT-3'

ClinVar aggregate classification (germline): Uncertain significance. Review status: criteria provided, multiple submitters, no conflicts (2 of 4 stars). 2 submissions from 2 submitters: Uncertain significance (2). Last evaluated 2023-09-10.

Conditions:
BAP1-related tumor predisposition syndrome (TPDS1). Also called: TUMOR PREDISPOSITION SYNDROME 1; COMMON Syndrome; BAP1 tumor predisposition syndrome; Tumor susceptibility linked to germline BAP1 mutations. Identifiers: Orphanet 289539, MedGen C3280492, MONDO:0013692, OMIM 614327.

Submissions (2):

Labcorp Genetics (formerly Invitae), Labcorp
Classification: Uncertain significance for BAP1-related tumor predisposition syndrome. Last evaluated: 2023-09-10. Review status: criteria provided, single submitter. Criteria: Invitae Variant Classification Sherloc (09022015). Collection method: clinical testing. Allele origin: germline.
Comment: ClinVar contains an entry for this variant (Variation ID: 2502748). This variant has not been reported in the literature in individuals affected with BAP1-related conditions. This variant is not present in population databases (gnomAD no frequency). This sequence change creates a premature translational stop signal (p.Gln694*) in the BAP1 gene. While this is not anticipated to result in nonsense mediated decay, it is expected to disrupt the last 36 amino acid(s) of the BAP1 protein. In summary, the available evidence is currently insufficient to determine the role of this variant in disease. Therefore, it has been classified as a Variant of Uncertain Significance. Experimental studies and prediction algorithms are not available or were not evaluated, and the functional significance of this variant is currently unknown.

GeneDx
Classification: Uncertain significance. Last evaluated: 2022-11-18. Review status: criteria provided, single submitter. Criteria: GeneDx Variant Classification Process June 2021. Collection method: clinical testing. Allele origin: germline. Affected: yes.
Comment: Not observed at significant frequency in large population cohorts (gnomAD); Nonsense variant predicted to result in protein truncation as the last 36 amino acids are lost, although loss-of-function variants have not been reported downstream of this position in the protein; Has not been previously published as pathogenic or benign to our knowledge